The following is an entry in ClinVar:

NM_014284.3(NCDN):c.1004C>G (p.Thr335Ser)

Gene: NCDN (neurochondrin; plus strand). Cytogenetic location: 1p34.3.
Variant type: single nucleotide variant.
Coding change: c.1004C>G on transcript NM_014284.3 (MANE Select); coding-DNA position 1004, C replaced by G.
Protein change: p.Thr335Ser; replaces threonine 335 with serine.
Molecular consequence: missense variant.
Genome position (GRCh38, 1-based): chr1:35,561,155, C>G. VCF-style: chr1-35561155-C-G. GRCh37 (hg19) VCF-style: chr1-36026756-C-G.
Other names: c.1004C>G, p.Thr335Ser (NM_001014839.2); c.953C>G, p.Thr318Ser (NM_001014841.2); short protein forms T318S, T335S.
Identifiers: ClinVar variation 2635255 (VCV002635255.1), dbSNP rs2522865612, ClinGen allele CA339344594.

ClinVar aggregate classification (germline): Uncertain significance (1 of 4 stars; one submission).

Conditions:
NCDN-related disorder. Also called: NCDN-related condition.

Submission:

PreventionGenetics, part of Exact Sciences
Classification: Uncertain significance for NCDN-related condition. Last evaluated: 2022-12-08. Review status: criteria provided, single submitter. Criteria: ACMG Guidelines, 2015. Collection method: clinical testing. Allele origin: germline.
Comment: The NCDN c.1004C>G variant is predicted to result in the amino acid substitution p.Thr335Ser. To our knowledge, this variant has not been reported in the literature or in a large population database, indicating this variant is rare. At this time, the clinical significance of this variant is uncertain due to the absence of conclusive functional and genetic evidence.